The following is an entry in ClinVar:

NC_000012.11:g.(?_32729272)_(33049685_?)dup

Genes: DNM1L (dynamin 1 like; plus strand), FGD4 (FYVE, RhoGEF and PH domain containing 4; plus strand), PKP2 (plakophilin 2; minus strand), YARS2 (tyrosyl-tRNA synthetase 2; minus strand), LOC126861496 (MED14-independent group 3 enhancer GRCh37_chr12:32827128-32828327; plus strand) and 4 more. Cytogenetic location: 12p11.21.
Variant type: Duplication.
Identifiers: ClinVar variation 464402 (VCV000464402.1).

ClinVar aggregate classification (germline): Uncertain significance (1 of 4 stars; one submission).

Conditions:
Arrhythmogenic right ventricular dysplasia 9 (ARVD9). Also called: Arrhythmogenic Right Ventricular Dysplasia/Cardiomyopathy 9; ARRHYTHMOGENIC RIGHT VENTRICULAR DYSPLASIA, FAMILIAL, 9. Identifiers: MedGen C1836906, MONDO:0012180, OMIM 609040.

Submission:

Labcorp Genetics (formerly Invitae), Labcorp
Classification: Uncertain significance for Arrhythmogenic right ventricular cardiomyopathy, type 9. Last evaluated: 2018-05-26. Review status: criteria provided, single submitter. Criteria: Invitae Variant Classification Sherloc (09022015). Collection method: clinical testing. Allele origin: germline.
Comment: A gross duplication of the genomic region encompassing the full coding sequence of the PKP2 gene has been identified. The boundaries of this event are unknown as the duplication extends beyond the assayed region for this gene and therefore may encompass additional genes. As the precise location of this duplication is unknown, it may be in tandem or it may be located elsewhere in the genome. A similar copy number gain of the PKP2 gene has been reported in anÂ¬â€ individual affected with left ventricular non-compaction. Currently there is insufficient evidence to conclude whether this variant segregates with disease or not (PMID: 27066507). Experimental studies and prediction algorithms are not available for this variant, and the functional significance of the duplicated amino acids is currently unknown. In summary, the available evidence is currently insufficient to determine the role of this variant in disease. Therefore, it has been classified as a Variant of Uncertain Significance.

Literature cited by the submitters: PubMed 27066507.